The following is an entry in ClinVar:

NM_139057.4(ADAMTS17):c.1720C>T (p.Pro574Ser)

Genes: ADAMTS17 (ADAM metallopeptidase with thrombospondin type 1 motif 17; minus strand), LOC130058037 (ATAC-STARR-seq lymphoblastoid active region 10166; plus strand). Cytogenetic location: 15q26.3.
Variant type: single nucleotide variant.
Coding change: c.1720C>T on transcript NM_139057.4 (MANE Select); coding-DNA position 1720, C replaced by T.
Protein change: p.Pro574Ser; replaces proline 574 with serine.
Molecular consequence: missense variant.
Genome position (GRCh38, 1-based): chr15:100,132,008, G>A on the plus strand (C>T on the coding strand, the complement: ADAMTS17 is on the minus strand). VCF-style: chr15-100132008-G-A. GRCh37 (hg19) VCF-style: chr15-100672213-G-A.
Other names: short protein forms P574S.
Identifiers: ClinVar variation 315285 (VCV000315285.10), dbSNP rs200327256, ClinGen allele CA7758114.
Genomic context (GRCh38, chr15:100,132,008, plus strand): 5'-GCTGCTGTTGGGAAACTCCAATCGTGGCACGTTGGGGTATGGCTGGTCAGGGGACTTACG[G>A]GGGGTTGTCACATTTCCTCTGCCTGAAGCGGGCTCCCGTCCCACATGTTCGGCTGCACAT-3'
Protein context (NP_620688.2, residues 564-584): RFRQRKCDNP[Pro574Ser]PGPGGTHCPG

ClinVar aggregate classification (germline): Uncertain significance. Review status: criteria provided, multiple submitters, no conflicts (2 of 4 stars). 4 submissions from 4 submitters: Uncertain significance (4). Last evaluated 2025-08-23.

Conditions:
Inborn genetic diseases. Identifiers: MedGen C0950123, MeSH D030342.
Weill-Marchesani 4 syndrome, recessive. Also called: Weill-Marchesani syndrome 4. Identifiers: Orphanet 363992, MedGen C2750787, MONDO:0013176, OMIM 613195.

Allele frequency attached by ClinVar (database versions not stated): gnomAD 0.00010 and 0.00011; gnomAD exomes 0.00010 and 0.00015; TOPMed 0.00010; ExAC 0.00012; 1000 Genomes Project 30x 0.00016; 1000 Genomes Project 0.00020.
gnomAD v4.1: 227 of 1,614,236 alleles (0.014%); highest among the groups gnomAD compares: Non-Finnish European, 0.017%; no homozygotes.

Submissions (4):

Ambry Genetics
Classification: Uncertain significance for Inborn genetic diseases. Last evaluated: 2025-08-23. Review status: criteria provided, single submitter. Criteria: Ambry Variant Classification Scheme 2023. Collection method: clinical testing. Allele origin: germline.

Blueprint Genetics
Classification: Uncertain significance. Last evaluated: 2024-09-23. Review status: criteria provided, single submitter. Criteria: ACMG Guidelines, 2015. Collection method: clinical testing. Allele origin: germline.

Labcorp Genetics (formerly Invitae), Labcorp
Classification: Uncertain significance. Last evaluated: 2022-07-20. Review status: criteria provided, single submitter. Criteria: Invitae Variant Classification Sherloc (09022015). Collection method: clinical testing. Allele origin: germline.
Comment: This sequence change replaces proline, which is neutral and non-polar, with serine, which is neutral and polar, at codon 574 of the ADAMTS17 protein (p.Pro574Ser). This variant is present in population databases (rs200327256, gnomAD 0.02%). This variant has not been reported in the literature in individuals affected with ADAMTS17-related conditions. ClinVar contains an entry for this variant (Variation ID: 315285). Algorithms developed to predict the effect of missense changes on protein structure and function are either unavailable or do not agree on the potential impact of this missense change (SIFT: "Not Available"; PolyPhen-2: "Probably Damaging"; Align-GVGD: "Not Available"). In summary, the available evidence is currently insufficient to determine the role of this variant in disease. Therefore, it has been classified as a Variant of Uncertain Significance.

Illumina Laboratory Services, Illumina
Classification: Uncertain significance for Weill-Marchesani 4 syndrome, recessive. Last evaluated: 2018-01-12. Review status: criteria provided, single submitter. Criteria: ICSL Variant Classification Criteria 13 December 2019. Collection method: clinical testing. Allele origin: germline.